The following is an entry in ClinVar:

ClinVar aggregate classification (germline): Pathogenic. Review status: criteria provided, multiple submitters, no conflicts (2 of 4 stars). 2 submissions from 2 submitters: Pathogenic (2). Last evaluated 2023-05-01.

Conditions:
Hereditary cancer-predisposing syndrome. Also called: Neoplastic Syndromes, Hereditary; Tumor predisposition; Hereditary Cancer Syndrome; Hereditary neoplastic syndrome. Identifiers: Orphanet 140162, MedGen C0027672, MeSH D009386, MONDO:0015356.
Familial adenomatous polyposis 1 (FAP1). Also called: FAMILIAL ADENOMATOUS POLYPOSIS 1, ATTENUATED; POLYPOSIS, ADENOMATOUS INTESTINAL. Identifiers: MedGen C2713442, MONDO:0021056, OMIM 175100. Disease mechanism: loss of function.

Submissions (2):

Myriad Genetics, Inc.
Classification: Pathogenic for Familial adenomatous polyposis 1. Last evaluated: 2023-05-01. Review status: criteria provided, single submitter. Criteria: Myriad Autosomal Dominant, Autosomal Recessive and X-Linked Classification Criteria (2023). Collection method: clinical testing. Allele origin: unknown.
Comment: This variant is considered pathogenic. This variant creates a frameshift predicted to result in premature protein truncation.

Ambry Genetics
Classification: Pathogenic for Hereditary cancer-predisposing syndrome. Last evaluated: 2017-07-18. Review status: criteria provided, single submitter. Criteria: Ambry Variant Classification Scheme 2023. Collection method: clinical testing. Allele origin: germline.
Comment: The c.1431delA pathogenic mutation, located in coding exon 11 of the APC gene, results from a deletion of one nucleotide at nucleotide position 1431, causing a translational frameshift with a predicted alternate stop codon (p.E477Dfs*21). This alteration is expected to result in loss of function by premature protein truncation or nonsense-mediated mRNA decay. As such, this alteration is interpreted as a disease-causing mutation.

NM_000038.6(APC):c.1431del (p.Glu477fs)

Gene: APC (APC regulator of Wnt signaling pathway; plus strand). Cytogenetic location: 5q22.2.
Variant type: Deletion.
Coding change: c.1431del on transcript NM_000038.6 (MANE Select); coding-DNA position 1431, one base deleted (A; older notation c.1431delA).
Protein change: p.Glu477fs; shifts the reading frame from glutamic acid 477.
Molecular consequence: frameshift variant.
Genome position (GRCh38, 1-based): chr5:112,827,130, A deleted; the last of 2 consecutive A bases (chr5:112,827,129-112,827,130); deleting either gives the same sequence. VCF-style (leftmost placement, unchanged base first): chr5-112827128-GA-G. GRCh37 (hg19) VCF-style: chr5-112162825-GA-G.
Other names: c.1431del, p.Glu477fs (NM_001127510.3, NM_001354895.2); c.1377del, p.Glu459fs (NM_001127511.3); c.1485del, p.Glu495fs (NM_001354896.2); c.1461del, p.Glu487fs (NM_001354897.2); c.1356del, p.Glu452fs (NM_001354898.2); c.1347del, p.Glu449fs (NM_001354899.2); c.1308del, p.Glu436fs (NM_001354900.2); c.1254del, p.Glu418fs (NM_001354901.2); and 5 more; short protein forms E317fs, E351fs, E495fs, E194fs, E459fs, E436fs, E449fs, E477fs.
Identifiers: ClinVar variation 482500 (VCV000482500.7), dbSNP rs1554081640, ClinGen allele CA658655935.